The following is an entry in ClinVar:

NM_000074.3(CD40LG):c.60C>G (p.Ser20Arg)

Gene: CD40LG (CD40 ligand; plus strand). Cytogenetic location: Xq26.3.
Variant type: single nucleotide variant.
Coding change: c.60C>G on transcript NM_000074.3 (MANE Select); coding-DNA position 60, C replaced by G.
Protein change: p.Ser20Arg; replaces serine 20 with arginine.
Molecular consequence: missense variant.
Genome position (GRCh38, 1-based): chrX:136,648,308, C>G. VCF-style: chrX-136648308-C-G. GRCh37 (hg19) VCF-style: chrX-135730467-C-G.
Other names: short protein forms S20R.
Identifiers: ClinVar variation 2083129 (VCV002083129.4), dbSNP rs2522103776, ClinGen allele CA414751631.

ClinVar aggregate classification (germline): Uncertain significance (1 of 4 stars; one submission).

Conditions:
Hyper-IgM syndrome type 1. Also called: CD40 Ligand Deficiency; X-linked hyper-IgM syndrome; Immunodeficiency, X-linked, with hyper-IgM; Hyper-IgM Immunodeficiency Syndrome, Type 1. Identifiers: Orphanet 101088, MedGen C0398689, MONDO:0010626, OMIM 308230.

Submission:

Labcorp Genetics (formerly Invitae), Labcorp
Classification: Uncertain significance for Hyper-IgM syndrome type 1. Last evaluated: 2025-10-20. Review status: criteria provided, single submitter. Criteria: Invitae Variant Classification Sherloc (09022015). Collection method: clinical testing. Allele origin: germline.
Comment: This sequence change replaces serine, which is neutral and polar, with arginine, which is basic and polar, at codon 20 of the CD40LG protein (p.Ser20Arg). This variant is not present in population databases (gnomAD no frequency). This variant has not been reported in the literature in individuals affected with CD40LG-related conditions. ClinVar contains an entry for this variant (Variation ID: 2083129). Invitae Evidence Modeling of protein sequence and biophysical properties (such as structural, functional, and spatial information, amino acid conservation, physicochemical variation, residue mobility, and thermodynamic stability) indicates that this missense variant is not expected to disrupt CD40LG protein function with a negative predictive value of 80%. In summary, the available evidence is currently insufficient to determine the role of this variant in disease. Therefore, it has been classified as a Variant of Uncertain Significance.